The following is an entry in ClinVar:

ClinVar aggregate classification (germline): Uncertain significance (1 of 4 stars; one submission).

Conditions:
Inborn genetic diseases. Identifiers: MedGen C0950123, MeSH D030342.

Submission:

Ambry Genetics
Classification: Uncertain significance for Inborn genetic diseases. Last evaluated: 2025-06-13. Review status: criteria provided, single submitter. Criteria: Ambry Variant Classification Scheme 2023. Collection method: clinical testing. Allele origin: germline.
Comment: The p.G216S variant (also known as c.646G>A), located in coding exon 6 of the PAX5 gene, results from a G to A substitution at nucleotide position 646. The glycine at codon 216 is replaced by serine, an amino acid with similar properties. This amino acid position is conserved. In addition, the in silico prediction for this alteration is inconclusive. Based on the available evidence, the clinical significance of this variant remains unclear.

NM_016734.3(PAX5):c.646G>A (p.Gly216Ser)

Gene: PAX5 (paired box 5; minus strand). Cytogenetic location: 9p13.2.
Variant type: single nucleotide variant.
Coding change: c.646G>A on transcript NM_016734.3 (MANE Select); coding-DNA position 646, G replaced by A.
Protein change: p.Gly216Ser; replaces glycine 216 with serine.
Molecular consequence: missense variant. On other transcripts: non-coding transcript variant (2).
Genome position (GRCh38, 1-based): chr9:36,966,683, C>T on the plus strand (G>A on the coding strand, the complement: PAX5 is on the minus strand). VCF-style: chr9-36966683-C-T. GRCh37 (hg19) VCF-style: chr9-36966680-C-T.
Other names: c.646G>A, p.Gly216Ser (NM_001280547.2, NM_001280548.2, NM_001280549.2 and 2 more transcripts); c.322G>A, p.Gly108Ser (NM_001280551.2, NM_001280556.2); c.517G>A, p.Gly173Ser (NM_001280553.2, NM_001280554.2); c.448G>A, p.Gly150Ser (NM_001280555.2); short protein forms G150S, G108S, G173S, G216S.
Identifiers: ClinVar variation 3928360 (VCV003928360.1).